The following is an entry in ClinVar:

NM_025114.4(CEP290):c.817C>T (p.Gln273Ter)

Gene: CEP290 (centrosomal protein 290; minus strand). Cytogenetic location: 12q21.32.
Variant type: single nucleotide variant.
Coding change: c.817C>T on transcript NM_025114.4 (MANE Select); coding-DNA position 817, C replaced by T.
Protein change: p.Gln273Ter; replaces glutamine 273 with a stop codon.
Molecular consequence: nonsense.
Genome position (GRCh38, 1-based): chr12:88,129,729, G>A on the plus strand (C>T on the coding strand, the complement: CEP290 is on the minus strand). VCF-style: chr12-88129729-G-A. GRCh37 (hg19) VCF-style: chr12-88523506-G-A.
Other names: short protein forms Q273*.
Identifiers: ClinVar variation 2007823 (VCV002007823.4), dbSNP rs1592671313, ClinGen allele CA385984355.

ClinVar aggregate classification (germline): Pathogenic (1 of 4 stars; one submission).

Conditions:
Joubert syndrome. Also called: CEREBELLOPARENCHYMAL DISORDER IV; JOUBERT-BOLTSHAUSER SYNDROME; Familial aplasia of the vermis. Identifiers: Orphanet 475, MedGen C5979921, MONDO:0018772.
Meckel-Gruber syndrome. Also called: DYSENCEPHALIA SPLANCHNOCYSTICA; GRUBER SYNDROME; Dysencephalia splachnocystica. Identifiers: Orphanet 564, MedGen C0265215, MONDO:0018921.
Nephronophthisis. Also called: Juvenile Nephronophthisis. Identifiers: Orphanet 655, MedGen C0687120, MONDO:0019005, HP:0000090.

Submission:

Labcorp Genetics (formerly Invitae), Labcorp
Classification: Pathogenic for Joubert syndrome; Meckel-Gruber syndrome; Nephronophthisis. Last evaluated: 2022-06-18. Review status: criteria provided, single submitter. Criteria: Invitae Variant Classification Sherloc (09022015). Collection method: clinical testing. Allele origin: germline.
Comment: This sequence change creates a premature translational stop signal (p.Gln273*) in the CEP290 gene. It is expected to result in an absent or disrupted protein product. Loss-of-function variants in CEP290 are known to be pathogenic (PMID: 16909394, 17345604, 20690115). This variant is not present in population databases (gnomAD no frequency). This variant has not been reported in the literature in individuals affected with CEP290-related conditions. For these reasons, this variant has been classified as Pathogenic.

Literature cited by the submitters: PubMed 16909394; PubMed 17345604; PubMed 20690115.